The following is an entry in ClinVar:

NM_000051.4(ATM):c.3530G>A (p.Cys1177Tyr)

Gene: ATM (ATM serine/threonine kinase; plus strand). Cytogenetic location: 11q22.3.
Variant type: single nucleotide variant.
Coding change: c.3530G>A on transcript NM_000051.4 (MANE Select); coding-DNA position 3530, G replaced by A.
Protein change: p.Cys1177Tyr; replaces cysteine 1177 with tyrosine.
Molecular consequence: missense variant.
Genome position (GRCh38, 1-based): chr11:108,281,122, G>A. VCF-style: chr11-108281122-G-A. GRCh37 (hg19) VCF-style: chr11-108151849-G-A.
Other names: c.3530G>A, p.Cys1177Tyr (NM_001351834.2); short protein forms C1177Y.
Identifiers: ClinVar variation 918133 (VCV000918133.4), dbSNP rs587782470, ClinGen allele CA382520169.

ClinVar aggregate classification (germline): Uncertain significance. Review status: criteria provided, multiple submitters, no conflicts (2 of 4 stars). 3 submissions from 3 submitters: Uncertain significance (3). Last evaluated 2025-12-15.

Conditions:
Hereditary cancer-predisposing syndrome. Also called: Hereditary Cancer Syndrome; Hereditary neoplastic syndrome; Neoplastic Syndromes, Hereditary; Tumor predisposition. Identifiers: Orphanet 140162, MedGen C0027672, MeSH D009386, MONDO:0015356.
Ataxia-telangiectasia syndrome (AT). Also called: Ataxia-telangiectasia, complementation group E; LOUIS-BAR SYNDROME; Cerebello-oculocutaneous telangiectasia; Immunodeficiency with ataxia telangiectasia; Ataxia-telangiectasia, complementation group D; AT, COMPLEMENTATION GROUP C. Identifiers: Orphanet 100, MedGen C0004135, MONDO:0008840, OMIM 208900.

Allele frequency attached by ClinVar (database versions not stated): gnomAD exomes below 0.00001.
gnomAD v4.1: 2 of 1,613,998 alleles (0.00012%); highest among the groups gnomAD compares: Middle Eastern, 0.017%; no homozygotes.

Submissions (3):

Color Diagnostics, LLC DBA Color Health
Classification: Uncertain significance for Hereditary cancer-predisposing syndrome. Last evaluated: 2025-12-15. Review status: criteria provided, single submitter. Criteria: ACMG Guidelines, 2015. Collection method: clinical testing. Allele origin: germline.
Comment: This missense variant replaces cysteine with tyrosine at codon 1177 of the ATM protein. Computational prediction suggests that this variant may not impact protein structure and function. To our knowledge, functional studies have not been reported for this variant. This variant has not been reported in individuals affected with ATM-related disorders in the literature. This variant has been identified in 2/1613998 chromosomes in the general population by the Genome Aggregation Database (gnomAD). The available evidence is insufficient to determine the role of this variant in disease conclusively. Therefore, this variant is classified as a Variant of Uncertain Significance.

Labcorp Genetics (formerly Invitae), Labcorp
Classification: Uncertain significance for Ataxia-telangiectasia syndrome. Last evaluated: 2024-08-06. Review status: criteria provided, single submitter. Criteria: Invitae Variant Classification Sherloc (09022015). Collection method: clinical testing. Allele origin: germline.
Comment: This sequence change replaces cysteine, which is neutral and slightly polar, with tyrosine, which is neutral and polar, at codon 1177 of the ATM protein (p.Cys1177Tyr). This variant is present in population databases (no rsID available, gnomAD 0.003%). This variant has not been reported in the literature in individuals affected with ATM-related conditions. ClinVar contains an entry for this variant (Variation ID: 918133). An algorithm developed to predict the effect of missense changes on protein structure and function (PolyPhen-2) suggests that this variant is likely to be disruptive. In summary, the available evidence is currently insufficient to determine the role of this variant in disease. Therefore, it has been classified as a Variant of Uncertain Significance.

Women's Health and Genetics/Laboratory Corporation of America, LabCorp
Classification: Uncertain significance. Last evaluated: 2020-03-09. Review status: criteria provided, single submitter. Criteria: LabCorp Variant Classification Summary - May 2015. Collection method: clinical testing. Allele origin: germline.
Comment: Variant summary: ATM c.3530G>A (p.Cys1177Tyr) results in a non-conservative amino acid change in the encoded protein sequence. Three of five in-silico tools predict a benign effect of the variant on protein function. The variant allele was found at a frequency of 4e-06 in 251370 control chromosomes (gnomAD). The available data on variant occurrences in the general population are insufficient to allow any conclusion about variant significance. To our knowledge, no occurrence of c.3530G>A in individuals affected with Ataxia-Telangiectasia and no experimental evidence demonstrating its impact on protein function have been reported. No clinical diagnostic laboratories have submitted clinical-significance assessments for this variant to ClinVar after 2014. Based on the evidence outlined above, the variant was classified as uncertain significance.